The following is an entry in ClinVar:

NM_002295.6(RPSA):c.522G>A (p.Met174Ile)

Gene: RPSA (ribosomal protein SA; plus strand). Cytogenetic location: 3p22.1.
Variant type: single nucleotide variant.
Coding change: c.522G>A on transcript NM_002295.6 (MANE Select); coding-DNA position 522, G replaced by A.
Protein change: p.Met174Ile; replaces methionine 174 with isoleucine.
Molecular consequence: missense variant.
Genome position (GRCh38, 1-based): chr3:39,411,672, G>A. VCF-style: chr3-39411672-G-A. GRCh37 (hg19) VCF-style: chr3-39453163-G-A.
Other names: c.537G>A, p.Met179Ile (NM_001304288.2); short protein forms M179I, M174I.
Identifiers: ClinVar variation 1351002 (VCV001351002.8), dbSNP rs2125595921, ClinGen allele CA352213717.

ClinVar aggregate classification (germline): Uncertain significance (1 of 4 stars; one submission).

Submission:

Labcorp Genetics (formerly Invitae), Labcorp
Classification: Uncertain significance. Last evaluated: 2021-03-17. Review status: criteria provided, single submitter. Criteria: Invitae Variant Classification Sherloc (09022015). Collection method: clinical testing. Allele origin: germline.
Comment: In summary, the available evidence is currently insufficient to determine the role of this variant in disease. Therefore, it has been classified as a Variant of Uncertain Significance. Algorithms developed to predict the effect of missense changes on protein structure and function (SIFT, PolyPhen-2, Align-GVGD) all suggest that this variant is likely to be tolerated, but these predictions have not been confirmed by published functional studies and their clinical significance is uncertain. This variant has not been reported in the literature in individuals with RPSA-related conditions. This variant is not present in population databases (ExAC no frequency). This sequence change replaces methionine with isoleucine at codon 174 of the RPSA protein (p.Met174Ile). The methionine residue is highly conserved and there is a small physicochemical difference between methionine and isoleucine.